The following is an entry in ClinVar:

NM_021083.4(XK):c.731A>G (p.Asn244Ser)

Gene: XK (X-linked Kx blood group antigen, Kell and VPS13A binding protein; plus strand). Cytogenetic location: Xp21.1.
Variant type: single nucleotide variant.
Coding change: c.731A>G on transcript NM_021083.4 (MANE Select); coding-DNA position 731, A replaced by G.
Protein change: p.Asn244Ser; replaces asparagine 244 with serine.
Molecular consequence: missense variant.
Genome position (GRCh38, 1-based): chrX:37,727,858, A>G. VCF-style: chrX-37727858-A-G. GRCh37 (hg19) VCF-style: chrX-37587111-A-G.
Other names: c.731A>G (NM_021083.2); short protein forms N244S.
Identifiers: ClinVar variation 1363981 (VCV001363981.7), dbSNP rs1569475561, ClinGen allele CA412974214.

ClinVar aggregate classification (germline): Uncertain significance. Review status: criteria provided, multiple submitters, no conflicts (2 of 4 stars). 2 submissions from 2 submitters: Uncertain significance (2). Last evaluated 2025-11-20.

Conditions:
Inborn genetic diseases. Identifiers: MedGen C0950123, MeSH D030342.

Allele frequency attached by ClinVar (database versions not stated): gnomAD exomes below 0.00001 and 0.00001; TOPMed 0.00003.
gnomAD v4.1: 3 of 1,210,853 alleles (0.00025%); highest among the groups gnomAD compares: Admixed American, 0.0022%; no homozygotes.

Submissions (2):

Ambry Genetics
Classification: Uncertain significance for Inborn genetic diseases. Last evaluated: 2025-11-20. Review status: criteria provided, single submitter. Criteria: Ambry Variant Classification Scheme 2023. Collection method: clinical testing. Allele origin: germline.

Labcorp Genetics (formerly Invitae), Labcorp
Classification: Uncertain significance. Last evaluated: 2023-05-08. Review status: criteria provided, single submitter. Criteria: Invitae Variant Classification Sherloc (09022015). Collection method: clinical testing. Allele origin: germline.
Comment: This variant is present in population databases (no rsID available, gnomAD 0.004%). In summary, the available evidence is currently insufficient to determine the role of this variant in disease. Therefore, it has been classified as a Variant of Uncertain Significance. Advanced modeling of protein sequence and biophysical properties (such as structural, functional, and spatial information, amino acid conservation, physicochemical variation, residue mobility, and thermodynamic stability) performed at Invitae indicates that this missense variant is not expected to disrupt XK protein function. ClinVar contains an entry for this variant (Variation ID: 1363981). This variant has not been reported in the literature in individuals affected with XK-related conditions. This sequence change replaces asparagine with serine at codon 244 of the XK protein (p.Asn244Ser). The asparagine residue is highly conserved and there is a small physicochemical difference between asparagine and serine.